The following is an entry in ClinVar:

NM_004036.5(ADCY3):c.1665C>G (p.Ala555=)

Gene: ADCY3 (adenylate cyclase 3; minus strand). Cytogenetic location: 2p23.3.
Variant type: single nucleotide variant.
Coding change: c.1665C>G on transcript NM_004036.5 (MANE Select); coding-DNA position 1665, C replaced by G.
Protein change: p.Ala555=; no amino-acid change (alanine 555 retained).
Molecular consequence: synonymous variant.
Genome position (GRCh38, 1-based): chr2:24,834,934, G>C on the plus strand (C>G on the coding strand, the complement: ADCY3 is on the minus strand). VCF-style: chr2-24834934-G-C. GRCh37 (hg19) VCF-style: chr2-25057803-G-C.
Other names: c.1665C>G, p.Ala555= (NM_001320613.2, NM_001377129.1, NM_001377130.1 and 1 more transcripts); c.1731C>G, p.Ala577= (NM_001377128.1); c.942C>G, p.Ala314= (NM_001377131.1).
Identifiers: ClinVar variation 3053685 (VCV003053685.2), dbSNP rs150893710, ClinGen allele CA425352649.
Genomic context (GRCh38, chr2:24,834,934, plus strand): 5'-TCGGTCAGCCAGGTCCTGCAGGCGCAGCCTCCGGCGTGGGTTGGGGAATGAGGGGTTGTC[G>C]GCCTGTGAGCCAGGGAGGCAGCGTGAGTGGGGCAGATGGGACAGAGTGGTGGGGAAGAGC-3'
Protein context (NP_004027.2, residues 545-565): SEKPEEQDAQ[Ala555=]DNPSFPNPRR

ClinVar aggregate classification (germline): Likely benign (0 of 4 stars; one submission).

Conditions:
ADCY3-related disorder. Also called: ADCY3-related condition.

gnomAD v4.1: 1 of 1,613,074 alleles (0.000062%); highest among the groups gnomAD compares: Admixed American, 0.0017%; no homozygotes.

Submission:

PreventionGenetics, part of Exact Sciences
Classification: Likely benign for ADCY3-related condition. Last evaluated: 2022-08-05. Review status: no assertion criteria provided. Collection method: clinical testing. Allele origin: germline.
Comment: This variant is classified as likely benign based on ACMG/AMP sequence variant interpretation guidelines (Richards et al. 2015 PMID: 25741868, with internal and published modifications).